The following is an entry in ClinVar:

ClinVar aggregate classification (germline): Uncertain significance. Review status: criteria provided, multiple submitters, no conflicts (2 of 4 stars). 4 submissions from 4 submitters: Uncertain significance (4). Last evaluated 2025-01-20.

Conditions:
Cystic fibrosis (CF). Also called: MUCOVISCIDOSIS. Identifiers: Orphanet 586, MedGen C0010674, MONDO:0009061, OMIM 219700. Disease mechanism: loss of function.

Submissions (4):

Quest Diagnostics Nichols Institute San Juan Capistrano
Classification: Uncertain significance. Last evaluated: 2025-01-20. Review status: criteria provided, single submitter. Criteria: Quest Diagnostics criteria. Collection method: clinical testing. Allele origin: unknown.
Comment: The CFTR c.2379A>T (p.Lys793Asn) variant has not been reported in individuals with CFTR-related conditions in the published literature. It also has not been reported in large, multi-ethnic general populations (Genome Aggregation Database). Analysis of this variant using bioinformatics tools for the prediction of the effect of amino acid changes on protein structure and function yielded conflicting predictions that this variant is benign or damaging. Based on the available information, we are unable to determine the clinical significance of this variant.

Blueprint Genetics
Classification: Uncertain significance. Last evaluated: 2024-01-11. Review status: criteria provided, single submitter. Criteria: ACMG Guidelines, 2015. Collection method: clinical testing. Allele origin: germline.

Mayo Clinic Laboratories, Mayo Clinic
Classification: Uncertain significance. Last evaluated: 2023-02-24. Review status: criteria provided, single submitter. Criteria: ACMG Guidelines, 2015. Collection method: clinical testing. Allele origin: germline. Observed: 1 variant allele.

Ambry Genetics
Classification: Uncertain significance for Cystic fibrosis. Last evaluated: 2021-08-09. Review status: criteria provided, single submitter. Criteria: Ambry Variant Classification Scheme 2023. Collection method: clinical testing. Allele origin: germline.
Comment: The p.K793N variant (also known as c.2379A>T), located in coding exon 14 of the CFTR gene, results from an A to T substitution at nucleotide position 2379. The lysine at codon 793 is replaced by asparagine, an amino acid with similar properties. This amino acid position is conserved. In addition, the in silico prediction for this alteration is inconclusive. Since supporting evidence is limited at this time, the clinical significance of this alteration remains unclear.

Literature cited by the submitters: PubMed 38271453 (cited by Quest Diagnostics Nichols Institute San Juan Capistrano).

NM_000492.4(CFTR):c.2379A>T (p.Lys793Asn)

Gene: CFTR (CF transmembrane conductance regulator; plus strand). Cytogenetic location: 7q31.2.
Variant type: single nucleotide variant.
Coding change: c.2379A>T on transcript NM_000492.4 (MANE Select); coding-DNA position 2379, A replaced by T.
Protein change: p.Lys793Asn; replaces lysine 793 with asparagine.
Molecular consequence: missense variant.
Genome position (GRCh38, 1-based): chr7:117,592,546, A>T. VCF-style: chr7-117592546-A-T. GRCh37 (hg19) VCF-style: chr7-117232600-A-T.
Other names: p.Lys793Asn; short protein forms K793N.
Identifiers: ClinVar variation 1790398 (VCV001790398.5), dbSNP rs2485110644, ClinGen allele CA368981089.